The following is an entry in ClinVar:

ClinVar aggregate classification (germline): Pathogenic (1 of 4 stars; one submission).

Conditions:
Breast-ovarian cancer, familial, susceptibility to, 1 (BROVCA1). Also called: BRCA1 Hereditary Breast and Ovarian Cancer; OVARIAN CANCER, SUSCEPTIBILITY TO. Identifiers: Orphanet 145, MedGen C2676676, MONDO:0011450, OMIM 604370. Disease mechanism: loss of function.

Submission:

Myriad Genetics, Inc.
Classification: Pathogenic for Breast-ovarian cancer, familial, susceptibility to, 1. Last evaluated: 2024-10-30. Review status: criteria provided, single submitter. Criteria: Myriad Autosomal Dominant, Autosomal Recessive and X-Linked Classification Criteria (2023). Collection method: clinical testing. Allele origin: unknown.
Comment: This variant is considered pathogenic. This variant creates a frameshift predicted to result in premature protein truncation.

NM_007294.4(BRCA1):c.751_754dup (p.Arg252fs)

Gene: BRCA1 (BRCA1 DNA repair associated; minus strand). Cytogenetic location: 17q21.31.
Variant type: Duplication.
Coding change: c.751_754dup on transcript NM_007294.4 (MANE Select); coding-DNA positions 751 to 754, 4 bases duplicated (AAGC; older notation c.751_754dupAAGC).
Protein change: p.Arg252fs; shifts the reading frame from arginine 252.
Molecular consequence: frameshift variant. On other transcripts: intron variant (13), 5 prime UTR variant (2).
Genome position (GRCh38, 1-based): chr17:43,094,777-43,094,780, GCTT duplicated on the plus strand (AAGC on the coding strand, the reverse complement: BRCA1 is on the minus strand). VCF-style (leftmost placement, unchanged base first): chr17-43094776-C-CGCTT. GRCh37 (hg19) VCF-style: chr17-41246793-C-CGCTT.
Other names: c.610_613dup, p.Arg205fs (NM_001407752.1, NM_001407850.1, NM_001407851.1 and 43 more transcripts); c.607_610dup, p.Arg204fs (NM_001407838.1, NM_001407839.1, NM_001407841.1 and 26 more transcripts); c.538_541dup, p.Arg181fs (NM_001407853.1, NM_001407894.1, NM_001407571.1 and 12 more transcripts); c.751_754dup, p.Arg252fs (NM_001407854.1, NM_001407858.1, NM_001407859.1 and 53 more transcripts); c.748_751dup, p.Arg251fs (NM_001407860.1, NM_001407861.1, NM_001407587.1 and 38 more transcripts); c.550_553dup, p.Arg185fs (NM_001407862.1, NM_001408474.1, NM_001408476.1); c.628_631dup, p.Arg211fs (NM_001407863.1, NM_001408425.1, NM_001408426.1 and 34 more transcripts); c.547_550dup, p.Arg184fs (NM_001407874.1, NM_001407875.1, NM_001408475.1); and 20 more; short protein forms R124fs, R125fs, R140fs, R141fs, R163fs, R164fs, R181fs, R182fs.
Identifiers: ClinVar variation 3773511 (VCV003773511.1).
Genomic context (GRCh38, chr17:43,094,776, plus strand): 5'-TCCACATGCAAGTTTGAAACAGAACTACCCTGATACTTTTCTGGATGCCTCTCAGCTGCA[C>CGCTT]GCTTCTCAGTGGTGTTCAAATCATTATTACTGGGTTGATGATGTTCAGTATTTGTTACAT-3'